The following is an entry in ClinVar:

ClinVar aggregate classification (germline): Uncertain significance. Review status: criteria provided, single submitter (1 of 4 stars). 2 submissions from 2 submitters: Uncertain significance (1). 1 of the submissions does not count toward it. Last evaluated 2019-10-01.

Conditions:
Developmental and epileptic encephalopathy, 75. Also called: EPILEPTIC ENCEPHALOPATHY, EARLY INFANTILE, 75. Identifiers: MedGen C5193099, MONDO:0032752, OMIM 618437.

Allele frequency attached by ClinVar (database versions not stated): gnomAD exomes below 0.00001.

Submissions (2):

SIB Swiss Institute of Bioinformatics
Classification: Uncertain significance for Developmental and epileptic encephalopathy, 75. Last evaluated: 2019-10-01. Review status: criteria provided, single submitter. Criteria: ACMG Guidelines, 2015. Collection method: curation. Allele origin: unknown.
Comment: This variant is interpreted as a variant of uncertain significance for Epileptic encephalopathy, early infantile, 75, autosomal recessive. The following ACMG Tag(s) were applied: PM2, PP1, PP3.

OMIM
Classification: Pathogenic for DEVELOPMENTAL AND EPILEPTIC ENCEPHALOPATHY 75. Last evaluated: 2023-04-19. Review status: no assertion criteria provided. Collection method: literature only. Allele origin: germline. Not counted in ClinVar's aggregate classification.

Literature cited by the submitters: PubMed 28077841 (cited by SIB Swiss Institute of Bioinformatics); Mizuguchi, T., Nakashima, M., Kato, M., Yamada, K., Okanishi, T., Ekhilevitch, N., Mandel, H., Eran, A., Toyono, M., Sawaishi, Y., Motoi, H., Shiina, M., Ogata, K., Miyatake, S., Miyake, N., Saitsu, H., Matsumoto, N. PARS2 and NARS2 mutations in infantile-onset neurodegenerative disorder. J. Hum. Genet. 62: 525-529, 2017. ::J. Hum. Genet.::62: 525-529, 2017. Note: Erratum: J. Hum. Genet. 62: 587 only, 2017. (cited by OMIM).

NM_152268.4(PARS2):c.607G>A (p.Glu203Lys)

Gene: PARS2 (prolyl-tRNA synthetase 2, mitochondrial; minus strand). Cytogenetic location: 1p32.3.
Variant type: single nucleotide variant.
Coding change: c.607G>A on transcript NM_152268.4 (MANE Select); coding-DNA position 607, G replaced by A.
Protein change: p.Glu203Lys; replaces glutamic acid 203 with lysine.
Molecular consequence: missense variant.
Genome position (GRCh38, 1-based): chr1:54,758,555, C>T on the plus strand (G>A on the coding strand, the complement: PARS2 is on the minus strand). VCF-style: chr1-54758555-C-T. GRCh37 (hg19) VCF-style: chr1-55224228-C-T.
Other names: short protein forms E203K.
Identifiers: ClinVar variation 632568 (VCV000632568.5), dbSNP rs1557762729, ClinGen allele CA340463766.
Genomic context (GRCh38, chr1:54,758,555, plus strand): 5'-AGGTCTGCTGGGCAGCCTCTGGGGAGGAGTCAAAGGTGTACATATCCTTCATGTAAAACT[C>T]TCGGCCACGGAGAAGACCAAAGCGGGGCCTGGGCTCATCCCGAAACTTCCTTGTCACTTG-3'
Protein context (NP_689481.2, residues 193-213): RPRFGLLRGR[Glu203Lys]FYMKDMYTFD